The following is an entry in ClinVar:

ClinVar aggregate classification (germline): Likely benign (1 of 4 stars; one submission).

Conditions:
Tuberous sclerosis 1 (TSC1). Identifiers: Orphanet 805, MedGen C1854465, MONDO:0008612, OMIM 191100.

Submission:

Myriad Genetics, Inc.
Classification: Likely benign for Tuberous sclerosis 1. Last evaluated: 2025-04-09. Review status: criteria provided, single submitter. Criteria: Myriad Autosomal Dominant, Autosomal Recessive and X-Linked Classification Criteria (2023). Collection method: clinical testing. Allele origin: unknown.
Comment: This variant is considered likely benign. This variant is intronic and is not expected to impact mRNA splicing.

NM_000368.5(TSC1):c.1264-7T>C

Gene: TSC1 (TSC complex subunit 1; minus strand). Cytogenetic location: 9q34.13.
Variant type: single nucleotide variant.
Coding change: c.1264-7T>C on transcript NM_000368.5 (MANE Select); 7 bases into the intron before coding-DNA position 1264, T replaced by C.
Molecular consequence: intron variant.
Genome position (GRCh38, 1-based): chr9:132,907,377, A>G on the plus strand (T>C on the coding strand, the complement: TSC1 is on the minus strand). VCF-style: chr9-132907377-A-G. GRCh37 (hg19) VCF-style: chr9-135782764-A-G.
Other names: c.901-7T>C (NM_001406618.1, NM_001406617.1, NM_001406619.1 and 5 more transcripts); c.898-7T>C (NM_001406625.1, NM_001406621.1, NM_001406622.1 and 2 more transcripts); c.1108-7T>C (NM_001406613.1, NM_001406612.1, NM_001406611.1); c.1111-7T>C (NM_001406610.1, NM_001162427.2); c.310-7T>C (NM_001406627.1, NM_001406628.1); c.211-7T>C (NM_001406629.1, NM_001406630.1); c.1261-7T>C (NM_001406603.1, NM_001406609.1, NM_001406597.1 and 6 more transcripts); c.1264-7T>C (NM_001406602.1, NM_001406606.1, NM_001406592.1 and 7 more transcripts); and 1 more.
Identifiers: ClinVar variation 4071088 (VCV004071088.1).
Genomic context (GRCh38, chr9:132,907,377, plus strand): 5'-CAGAAGATGGTGTTGTCTGTGTAGACATGGTCTTGCAGAATCCATTCTCTCTTCCTGAAA[A>G]GATAAGTATCATTTATATCACAAGACGAAAAATGTTGCACATGTTCTCGAGCATATTGTA-3'